The following is an entry in ClinVar:

NM_030928.4(CDT1):c.915T>C (p.His305=)

Gene: CDT1 (chromatin licensing and DNA replication factor 1; plus strand). Cytogenetic location: 16q24.3.
Variant type: single nucleotide variant.
Coding change: c.915T>C on transcript NM_030928.4 (MANE Select); coding-DNA position 915, T replaced by C.
Protein change: p.His305=; no amino-acid change (histidine 305 retained).
Molecular consequence: synonymous variant.
Genome position (GRCh38, 1-based): chr16:88,806,103, T>C. VCF-style: chr16-88806103-T-C. GRCh37 (hg19) VCF-style: chr16-88872511-T-C.
Identifiers: ClinVar variation 128683 (VCV000128683.23), dbSNP rs510862, ClinGen allele CA152282.

ClinVar aggregate classification (germline): Benign. Review status: criteria provided, multiple submitters, no conflicts (2 of 4 stars). 9 submissions from 9 submitters: Benign (6). 3 of the submissions do not count toward it. Last evaluated 2026-02-04.

Conditions:
Meier-Gorlin syndrome 4 (MGORS4). Identifiers: Orphanet 2554, MedGen C3151120, MONDO:0013431, OMIM 613804.

Allele frequency attached by ClinVar (database versions not stated): gnomAD exomes 0.79115 and 0.80081; ExAC 0.81834; gnomAD 0.83894 and 0.83978; TOPMed 0.84393; ESP Exome Variant Server 0.84765; 1000 Genomes Project 0.87021; 1000 Genomes Project 30x 0.87242.
gnomAD v4.1: 1,272,640 of 1,598,186 alleles (80%); highest among the groups gnomAD compares: African/African-American, 96%; 508,881 homozygotes.

Submissions (9):

Labcorp Genetics (formerly Invitae), Labcorp
Classification: Benign. Last evaluated: 2026-02-04. Review status: criteria provided, single submitter. Criteria: Invitae Variant Classification Sherloc (09022015). Collection method: clinical testing. Allele origin: germline.

Blueprint Genetics
Classification: Benign. Last evaluated: 2024-11-27. Review status: criteria provided, single submitter. Criteria: ACMG Guidelines, 2015. Collection method: clinical testing. Allele origin: germline.

Genome-Nilou Lab
Classification: Benign for Meier-Gorlin syndrome 4. Last evaluated: 2021-07-22. Review status: criteria provided, single submitter. Criteria: ACMG Guidelines, 2015. Collection method: clinical testing. Allele origin: germline. Affected: no.

GeneDx
Classification: Benign. Last evaluated: 2018-07-05. Review status: criteria provided, single submitter. Criteria: GeneDx Variant Classification Process June 2021. Collection method: clinical testing. Allele origin: germline. Affected: yes.

Breakthrough Genomics
Classification: Benign. Review status: criteria provided, single submitter. Criteria: ACMG Guidelines, 2015. Collection method: not provided. Allele origin: germline. Inheritance: Autosomal recessive inheritance. Affected: yes.

PreventionGenetics, part of Exact Sciences
Classification: Benign. Review status: criteria provided, single submitter. Criteria: ACMG Guidelines, 2015. Collection method: clinical testing. Allele origin: germline.

Diagnostic Laboratory, Department of Genetics, University Medical Center Groningen
Classification: Benign for Meier-Gorlin syndrome 4. Review status: no assertion criteria provided. Collection method: clinical testing. Allele origin: germline. Affected: yes. Study: VKGL Data-share Consensus. Not counted in ClinVar's aggregate classification.

Genetic Services Laboratory, University of Chicago
Classification: Likely benign for AllHighlyPenetrant. Review status: no assertion criteria provided. Collection method: clinical testing. Allele origin: germline. Inheritance: Autosomal recessive inheritance. Not counted in ClinVar's aggregate classification.
Comment: Likely benign based on allele frequency in 1000 Genomes Project or ESP global frequency and its presence in a patient with a rare or unrelated disease phenotype. NOT Sanger confirmed.

Joint Genome Diagnostic Labs from Nijmegen and Maastricht, Radboudumc and MUMC+
Classification: Benign. Review status: no assertion criteria provided. Collection method: clinical testing. Allele origin: germline. Affected: yes. Study: VKGL Data-share Consensus. Not counted in ClinVar's aggregate classification.